The following is an entry in ClinVar:

ClinVar aggregate classification (germline): Uncertain significance (1 of 4 stars; one submission).

Conditions:
Nemaline myopathy 2 (NEM2). Also called: Nemaline myopathy 2, autosomal recessive. Identifiers: MedGen C1850569, MONDO:0009725, OMIM 256030.

Submission:

Labcorp Genetics (formerly Invitae), Labcorp
Classification: Uncertain significance for Nemaline myopathy 2. Last evaluated: 2022-08-09. Review status: criteria provided, single submitter. Criteria: Invitae Variant Classification Sherloc (09022015). Collection method: clinical testing. Allele origin: germline.
Comment: This sequence change replaces lysine, which is basic and polar, with asparagine, which is neutral and polar, at codon 7238 of the NEB protein (p.Lys7238Asn). This variant is not present in population databases (gnomAD no frequency). This variant has not been reported in the literature in individuals affected with NEB-related conditions. ClinVar contains an entry for this variant (Variation ID: 1438462). Algorithms developed to predict the effect of missense changes on protein structure and function are either unavailable or do not agree on the potential impact of this missense change (SIFT: "Deleterious"; PolyPhen-2: "Not Available"; Align-GVGD: "Class C0"). In summary, the available evidence is currently insufficient to determine the role of this variant in disease. Therefore, it has been classified as a Variant of Uncertain Significance.

NM_001164508.2(NEB):c.21609G>C (p.Lys7203Asn)

Genes: NEB (nebulin; minus strand), RIF1 (replication timing regulatory factor 1; plus strand). Cytogenetic location: 2q23.3.
Variant type: single nucleotide variant.
Coding change: c.21609G>C on transcript NM_001164508.2 (MANE Select); coding-DNA position 21609, G replaced by C.
Protein change: p.Lys7203Asn; replaces lysine 7203 with asparagine.
Molecular consequence: missense variant.
Genome position (GRCh38, 1-based): chr2:151,531,015, C>G on the plus strand (G>C on the coding strand, the complement: NEB is on the minus strand). VCF-style: chr2-151531015-C-G. GRCh37 (hg19) VCF-style: chr2-152387529-C-G.
Other names: c.21609G>C, p.Lys7203Asn (NM_001164507.2); c.21714G>C, p.Lys7238Asn (NM_001271208.2); c.16506G>C, p.Lys5502Asn (NM_004543.5); short protein forms K5502N, K7203N, K7238N.
Identifiers: ClinVar variation 1438462 (VCV001438462.6), dbSNP rs2090430591, ClinGen allele CA348770213.